The following is an entry in ClinVar:

NM_001110556.2(FLNA):c.5066G>A (p.Cys1689Tyr)

Gene: FLNA (filamin A; minus strand). Cytogenetic location: Xq28.
Variant type: single nucleotide variant.
Coding change: c.5066G>A on transcript NM_001110556.2 (MANE Select); coding-DNA position 5066, G replaced by A.
Protein change: p.Cys1689Tyr; replaces cysteine 1689 with tyrosine.
Molecular consequence: missense variant.
Genome position (GRCh38, 1-based): chrX:154,354,976, C>T on the plus strand (G>A on the coding strand, the complement: FLNA is on the minus strand). VCF-style: chrX-154354976-C-T. GRCh37 (hg19) VCF-style: chrX-153583344-C-T.
Other names: c.5042G>A, p.Cys1681Tyr (NM_001456.4); c.5066G>A (NM_001110556.1); short protein forms C1681Y, C1689Y.
Identifiers: ClinVar variation 1806515 (VCV001806515.3), dbSNP rs782125523, ClinGen allele CA10560395.
Genomic context (GRCh38, chrX:154,354,976, plus strand): 5'-TCGAAAGTGCCGTCCTCATTCTCCACCACGTCCACATCCACCTCTGAGCCATCAGGCGTG[C>T]ACACGGTGCACGTCACTTTGCCTTTGCCTGCCGCCTTAGTGTCCACAGTGATCACCGTCT-3'
Protein context (NP_001104026.1, residues 1679-1699): AGKGKVTCTV[Cys1689Tyr]TPDGSEVDVD

ClinVar aggregate classification (germline): Uncertain significance. Review status: criteria provided, single submitter (1 of 4 stars). 2 submissions from 2 submitters: Uncertain significance (1). 1 of the submissions does not count toward it. Last evaluated 2022-06-21.

Conditions:
FLNA-related disorder.

Allele frequency attached by ClinVar (database versions not stated): TOPMed below 0.00001; ExAC 0.00001; gnomAD exomes 0.00001.
gnomAD v4.1: 4 of 1,212,218 alleles (0.00033%); highest among the groups gnomAD compares: Non-Finnish European, 0.00045%; no homozygotes.

Submissions (2):

GeneDx
Classification: Uncertain significance. Last evaluated: 2022-06-21. Review status: criteria provided, single submitter. Criteria: GeneDx Variant Classification Process June 2021. Collection method: clinical testing. Allele origin: germline. Affected: yes.
Comment: Not observed at significant frequency in large population cohorts (gnomAD); In silico analysis supports that this missense variant has a deleterious effect on protein structure/function; Has not been previously published as pathogenic or benign to our knowledge

PreventionGenetics, part of Exact Sciences
Classification: Uncertain significance for FLNA-related condition. Last evaluated: 2023-10-23. Review status: no assertion criteria provided. Collection method: clinical testing. Allele origin: germline. Not counted in ClinVar's aggregate classification.
Comment: The FLNA c.5066G>A variant is predicted to result in the amino acid substitution p.Cys1689Tyr. To our knowledge, this variant has not been reported in the literature. This variant is reported in 0.0012% of alleles in individuals of European (Non-Finnish) descent in gnomAD. At this time, the clinical significance of this variant is uncertain due to the absence of conclusive functional and genetic evidence.